The following is an entry in ClinVar:

NM_030928.4(CDT1):c.1024G>A (p.Asp342Asn)

Gene: CDT1 (chromatin licensing and DNA replication factor 1; plus strand). Cytogenetic location: 16q24.3.
Variant type: single nucleotide variant.
Coding change: c.1024G>A on transcript NM_030928.4 (MANE Select); coding-DNA position 1024, G replaced by A.
Protein change: p.Asp342Asn; replaces aspartic acid 342 with asparagine.
Molecular consequence: missense variant.
Genome position (GRCh38, 1-based): chr16:88,806,576, G>A. VCF-style: chr16-88806576-G-A. GRCh37 (hg19) VCF-style: chr16-88872984-G-A.
Other names: short protein forms D342N.
Identifiers: ClinVar variation 2588346 (VCV002588346.4), dbSNP rs372182503, ClinGen allele CA8233957.

ClinVar aggregate classification (germline): Uncertain significance. Review status: criteria provided, multiple submitters, no conflicts (2 of 4 stars). 2 submissions from 2 submitters: Uncertain significance (2). Last evaluated 2024-10-07.

Conditions:
Inborn genetic diseases. Identifiers: MedGen C0950123, MeSH D030342.

Allele frequency attached by ClinVar (database versions not stated): gnomAD exomes 0.00002; gnomAD 0.00004; ExAC 0.00008; ESP Exome Variant Server 0.00008.
gnomAD v4.1: 35 of 1,608,630 alleles (0.0022%); highest among the groups gnomAD compares: East Asian, 0.047%; no homozygotes.

Submissions (2):

Labcorp Genetics (formerly Invitae), Labcorp
Classification: Uncertain significance. Last evaluated: 2024-10-07. Review status: criteria provided, single submitter. Criteria: Invitae Variant Classification Sherloc (09022015). Collection method: clinical testing. Allele origin: germline.
Comment: This sequence change replaces aspartic acid, which is acidic and polar, with asparagine, which is neutral and polar, at codon 342 of the CDT1 protein (p.Asp342Asn). This variant is present in population databases (rs372182503, gnomAD 0.1%). This variant has not been reported in the literature in individuals affected with CDT1-related conditions. ClinVar contains an entry for this variant (Variation ID: 2588346). An algorithm developed to predict the effect of missense changes on protein structure and function (PolyPhen-2) suggests that this variant is likely to be disruptive. In summary, the available evidence is currently insufficient to determine the role of this variant in disease. Therefore, it has been classified as a Variant of Uncertain Significance.

Ambry Genetics
Classification: Uncertain significance for Inborn genetic diseases. Last evaluated: 2023-06-23. Review status: criteria provided, single submitter. Criteria: Ambry Variant Classification Scheme 2023. Collection method: clinical testing. Allele origin: germline.